The following is an entry in ClinVar:

ClinVar aggregate classification (germline): Uncertain significance. Review status: reviewed by expert panel (3 of 4 stars). 4 submissions from 4 submitters: Uncertain significance (1). 3 of the submissions do not count toward it. Last evaluated 2024-09-12.

Conditions:
Hereditary thrombocytopenia and hematological cancer predisposition syndrome associated with RUNX1. Also called: PLATELET DISORDER, ASPIRIN-LIKE; RUNX1 Familial Platelet Disorder with Associated Myeloid Malignancies; Familial Platelet Disorder with Propensity to Acute Myelogenous Leukemia; Familial thrombocytopenia with propensity to acute myelogenous leukemia. Identifiers: Orphanet 71290, MedGen C1832388, MeSH C563324, MONDO:0100083, OMIM 601399.
Inborn genetic diseases. Identifiers: MedGen C0950123, MeSH D030342.
Hereditary thrombocytopenia and hematologic cancer predisposition syndrome. Identifiers: Orphanet 71290, MedGen CN281654, MONDO:0011071.
RUNX1-related disorder. Also called: RUNX1-related condition.

Allele frequency attached by ClinVar (database versions not stated): TOPMed below 0.00001; ExAC 0.00001; gnomAD exomes below 0.00001.
gnomAD v4.1: 2 of 1,603,072 alleles (0.00012%); highest among the groups gnomAD compares: South Asian, 0.0022%; no homozygotes.

Submissions (4):

ClinGen Myeloid Malignancy Variant Curation Expert Panel
Classification: Uncertain significance for Hereditary thrombocytopenia and hematologic cancer predisposition syndrome. Last evaluated: 2024-09-12. Review status: reviewed by expert panel. Criteria: ClinGen MyeloMalig ACMG Specifications v2. Collection method: curation. Allele origin: germline. Inheritance: Autosomal dominant inheritance.
Comment: NM_001754.5(RUNX1):c.188C>T (p.Ala63Val) is a missense variant which is present in only 1 individual in gnomAD 2.0 with at least 20x coverage for RUNX1 (PM2_supporting). This missense variant has a REVEL score <0.50 (0.273) and a SpliceAI score ≤0.20 (0.01) (BP4). In summary, the clinical significance of this variant is uncertain. ACMG/AMP criteria applied, as specified by the Myeloid Malignancy Variant Curation Expert Panel for RUNX1: BP4, PM2_supporting.

Ambry Genetics
Classification: Uncertain significance for Inborn genetic diseases. Last evaluated: 2025-03-25. Review status: criteria provided, single submitter. Criteria: Ambry Variant Classification Scheme 2023. Collection method: clinical testing. Allele origin: germline. Not counted in ClinVar's aggregate classification.
Comment: The p.A63V variant (also known as c.188C>T), located in coding exon 3 of the RUNX1 gene, results from a C to T substitution at nucleotide position 188. The alanine at codon 63 is replaced by valine, an amino acid with similar properties. This amino acid position is not well conserved in available vertebrate species. In addition, the in silico prediction for this alteration is inconclusive. Based on the available evidence, the clinical significance of this variant remains unclear.

Labcorp Genetics (formerly Invitae), Labcorp
Classification: Uncertain significance for Hereditary thrombocytopenia and hematological cancer predisposition syndrome associated with RUNX1. Last evaluated: 2023-10-24. Review status: criteria provided, single submitter. Criteria: Invitae Variant Classification Sherloc (09022015). Collection method: clinical testing. Allele origin: germline. Not counted in ClinVar's aggregate classification.
Comment: This sequence change replaces alanine, which is neutral and non-polar, with valine, which is neutral and non-polar, at codon 63 of the RUNX1 protein (p.Ala63Val). This variant is present in population databases (rs776111803, gnomAD 0.003%). This variant has not been reported in the literature in individuals affected with RUNX1-related conditions. Advanced modeling of protein sequence and biophysical properties (such as structural, functional, and spatial information, amino acid conservation, physicochemical variation, residue mobility, and thermodynamic stability) has been performed at Invitae for this missense variant, however the output from this modeling did not meet the statistical confidence thresholds required to predict the impact of this variant on RUNX1 protein function. In summary, the available evidence is currently insufficient to determine the role of this variant in disease. Therefore, it has been classified as a Variant of Uncertain Significance.

PreventionGenetics, part of Exact Sciences
Classification: Uncertain significance for RUNX1-related condition. Last evaluated: 2023-02-28. Review status: criteria provided, single submitter. Criteria: ACMG Guidelines, 2015. Collection method: clinical testing. Allele origin: germline. Not counted in ClinVar's aggregate classification.
Comment: The RUNX1 c.188C>T variant is predicted to result in the amino acid substitution p.Ala63Val. To our knowledge, this variant has not been reported in the literature. This variant is reported in 0.0033% of alleles in individuals of South Asian descent in gnomAD. At this time, the clinical significance of this variant is uncertain due to the absence of conclusive functional and genetic evidence.

NM_001754.5(RUNX1):c.188C>T (p.Ala63Val)

Gene: RUNX1 (RUNX family transcription factor 1; minus strand). Cytogenetic location: 21q22.12.
Variant type: single nucleotide variant.
Coding change: c.188C>T on transcript NM_001754.5 (MANE Select); coding-DNA position 188, C replaced by T.
Protein change: p.Ala63Val; replaces alanine 63 with valine.
Molecular consequence: missense variant.
Genome position (GRCh38, 1-based): chr21:34,887,006, G>A on the plus strand (C>T on the coding strand, the complement: RUNX1 is on the minus strand). VCF-style: chr21-34887006-G-A. GRCh37 (hg19) VCF-style: chr21-36259303-G-A.
Other names: NM_001754.5(RUNX1):c.188C>T; p.Ala63Val; c.107C>T, p.Ala36Val (NM_001001890.3, NM_001122607.2); short protein forms A36V, A63V.
Identifiers: ClinVar variation 2630595 (VCV002630595.6), dbSNP rs776111803, ClinGen allele CA10014572.